The following is an entry in ClinVar:

NM_002890.3(RASA1):c.2474dup (p.Gln826fs)

Genes: CCNH (cyclin H; minus strand), RASA1 (RAS p21 protein activator 1; plus strand). Cytogenetic location: 5q14.3.
Variant type: Duplication.
Coding change: c.2474dup on transcript NM_002890.3 (MANE Select); coding-DNA position 2474, one base duplicated (A; older notation c.2474dupA).
Protein change: p.Gln826fs; shifts the reading frame from glutamine 826.
Molecular consequence: frameshift variant. On other transcripts: intron variant (1).
Genome position (GRCh38, 1-based): chr5:87,378,525, A duplicated; the last of 2 consecutive A bases (chr5:87,378,524-87,378,525); duplicating either gives the same sequence. VCF-style (leftmost placement, unchanged base first): chr5-87378523-C-CA. GRCh37 (hg19) VCF-style: chr5-86674340-C-CA.
Other names: c.1943dup, p.Gln649fs (NM_022650.3); c.933+16520dup (NM_001364075.2); short protein forms Q649fs, Q826fs.
Identifiers: ClinVar variation 1804998 (VCV001804998.1), dbSNP rs2531355519, ClinGen allele CA1139771270.

ClinVar aggregate classification (germline): Pathogenic (1 of 4 stars; one submission).

Conditions:
Capillary malformation-arteriovenous malformation 1 (CMAVM1). Identifiers: Orphanet 137667, Orphanet 693907, MedGen C4747394, MONDO:0020783, OMIM 608354.

Submission:

Victorian Clinical Genetics Services, Murdoch Childrens Research Institute
Classification: Pathogenic for Capillary malformation-arteriovenous malformation 1. Last evaluated: 2022-06-24. Review status: criteria provided, single submitter. Criteria: ACMG Guidelines, 2015. Collection method: clinical testing. Allele origin: germline. Inheritance: Autosomal dominant inheritance.
Comment: Based on the classification scheme VCGS_Germline_v1.3.4, this variant is classified as Pathogenic. Following criteria are met: 0102 - Loss of function is a known mechanism of disease in this gene and is associated with capillary malformation-arteriovenous malformation 1 (MIM#608354). (I) 0107 - This gene is known to be associated with autosomal dominant disease. A second somatic variant is also required for the development of capillary lesions (PMID: 24038909; 29891884). (I) 0201 - Variant is predicted to cause nonsense-mediated decay (NMD) and loss of protein (premature termination codon is located at least 54 nucleotides upstream of the final exon-exon junction). (SP) 0251 - This variant is heterozygous. (I) 0301 - Variant is absent from gnomAD (both v2 and v3). (SP) 0701 - Other NMD predicted variants comparable to the one identified in this case have very strong previous evidence for pathogenicity (ClinVar). Many other loss of function variants have previously been reported as pathogenic in individuals with capillary malformation-arteriovenous malformation 1 (MIM#608354). (SP) 0807 - This variant has no previous evidence of pathogenicity. (I) 0905 - No published segregation evidence has been identified for this variant. (I) 1007 - No published functional evidence has been identified for this variant. (SP) Legend: (SP) - Supporting pathogenic, (I) - Information, (SB) - Supporting benign

Literature cited by the submitters: PubMed 24038909; PubMed 29891884.